The following is an entry in ClinVar:

ClinVar aggregate classification (germline): Uncertain significance (1 of 4 stars; one submission).

Conditions:
P2RX2-related disorder. Also called: P2RX2-related condition.

Submission:

PreventionGenetics, part of Exact Sciences
Classification: Uncertain significance for P2RX2-related condition. Last evaluated: 2026-09-23. Review status: criteria provided, single submitter. Criteria: ACMG Guidelines, 2015. Collection method: clinical testing. Allele origin: germline.
Comment: The P2RX2 c.274G>C variant is predicted to result in the amino acid substitution p.Val92Leu. To our knowledge, this variant has not been reported in the literature or in a large population database (gnomAD), indicating this variant is rare. At this time, the clinical significance of this variant is uncertain due to the absence of conclusive functional and genetic evidence.

NM_170682.4(P2RX2):c.274G>C (p.Val92Leu)

Gene: P2RX2 (purinergic receptor P2X 2; plus strand). Cytogenetic location: 12q24.33.
Variant type: single nucleotide variant.
Coding change: c.274G>C on transcript NM_170682.4 (MANE Select); coding-DNA position 274, G replaced by C.
Protein change: p.Val92Leu; replaces valine 92 with leucine.
Molecular consequence: missense variant. On other transcripts: intron variant (1).
Genome position (GRCh38, 1-based): chr12:132,619,539, G>C. VCF-style: chr12-132619539-G-C. GRCh37 (hg19) VCF-style: chr12-133196125-G-C.
Other names: c.274G>C, p.Val92Leu (NM_001282164.2, NM_001282165.2, NM_016318.4 and 2 more transcripts); c.206G>C, p.Ser69Thr (NM_012226.5); c.106-305G>C (NM_174872.3); short protein forms S69T, V92L.
Identifiers: ClinVar variation 4995911 (VCV004995911.1).